The following is an entry in ClinVar:

NM_144997.7(FLCN):c.987del (p.Ser330fs)

Gene: FLCN (folliculin; minus strand). Cytogenetic location: 17p11.2.
Variant type: Deletion.
Coding change: c.987del on transcript NM_144997.7 (MANE Select); coding-DNA position 987, one base deleted (C; older notation c.987delC).
Protein change: p.Ser330fs; shifts the reading frame from serine 330.
Molecular consequence: frameshift variant.
Genome position (GRCh38, 1-based): chr17:17,219,094, G deleted on the plus strand (C on the coding strand, the reverse complement: FLCN is on the minus strand); the first of 2 consecutive G bases (chr17:17,219,094-17,219,095); deleting either gives the same sequence. VCF-style (leftmost placement, unchanged base first): chr17-17219093-AG-A. GRCh37 (hg19) VCF-style: chr17-17122407-AG-A.
Other names: c.987del (LRG_325t1); c.1041del, p.Ser348fs (NM_001353229.2); c.987del, p.Ser330fs (NM_001353230.2, NM_001353231.2); short protein forms S348fs, S330fs.
Identifiers: ClinVar variation 241933 (VCV000241933.5), dbSNP rs878855221, ClinGen allele CA10583453.

ClinVar aggregate classification (germline): Pathogenic (1 of 4 stars; one submission).

Conditions:
Birt-Hogg-Dube syndrome. Also called: Birt Hogg Dubé syndrome. Identifiers: Orphanet 122, MedGen C0346010, MONDO:0800444.

Submission:

Labcorp Genetics (formerly Invitae), Labcorp
Classification: Pathogenic for Birt-Hogg-Dube syndrome. Last evaluated: 2022-09-07. Review status: criteria provided, single submitter. Criteria: Invitae Variant Classification Sherloc (09022015). Collection method: clinical testing. Allele origin: germline.
Comment: This sequence change creates a premature translational stop signal (p.Ser330Profs*23) in the FLCN gene. It is expected to result in an absent or disrupted protein product. Loss-of-function variants in FLCN are known to be pathogenic (PMID: 15852235). This variant is not present in population databases (gnomAD no frequency). For these reasons, this variant has been classified as Pathogenic. ClinVar contains an entry for this variant (Variation ID: 241933). This variant has not been reported in the literature in individuals affected with FLCN-related conditions.

Literature cited by the submitters: PubMed 15852235.